The following is an entry in ClinVar:

NM_032043.3(BRIP1):c.2941G>T (p.Glu981Ter)

Gene: BRIP1 (BRCA1 interacting DNA helicase 1; minus strand). Cytogenetic location: 17q23.2.
Variant type: single nucleotide variant.
Coding change: c.2941G>T on transcript NM_032043.3 (MANE Select); coding-DNA position 2941, G replaced by T.
Protein change: p.Glu981Ter; replaces glutamic acid 981 with a stop codon.
Molecular consequence: nonsense.
Genome position (GRCh38, 1-based): chr17:61,684,105, C>A on the plus strand (G>T on the coding strand, the complement: BRIP1 is on the minus strand). VCF-style: chr17-61684105-C-A. GRCh37 (hg19) VCF-style: chr17-59761466-C-A.
Other names: short protein forms E981*.
Identifiers: ClinVar variation 1171578 (VCV001171578.2), dbSNP rs2144093507, ClinGen allele CA400480699.

ClinVar aggregate classification (germline): Likely pathogenic (1 of 4 stars; one submission).

Conditions:
Hereditary cancer-predisposing syndrome. Also called: Tumor predisposition; Hereditary neoplastic syndrome; Hereditary Cancer Syndrome; Neoplastic Syndromes, Hereditary. Identifiers: Orphanet 140162, MedGen C0027672, MeSH D009386, MONDO:0015356.

Submission:

Color Diagnostics, LLC DBA Color Health
Classification: Likely pathogenic for Hereditary cancer-predisposing syndrome. Last evaluated: 2020-11-03. Review status: criteria provided, single submitter. Criteria: ACMG Guidelines, 2015. Collection method: clinical testing. Allele origin: germline.
Comment: This variant changes 1 nucleotide in exon 20 of the BRIP1 gene, creating a premature translation stop signal in the last coding exon. This variant is expected to escape nonsense-mediated decay and be expressed as a truncated protein with disrupted functional domains involved in BRCA1-binding and DNA damage and replication stress response (PMID: 11301010, 14983014, 20159562, 20173781, 22792074). Although functional studies have not been reported for this variant, this variant is expected to impair critical BRIP1 protein function. To our knowledge, this variant has not been reported in individuals affected with hereditary cancer in the literature. This variant has not been identified in the general population by the Genome Aggregation Database (gnomAD). Loss of BRIP1 function is a known mechanism of disease. Based on the available evidence, this variant is classified as Likely Pathogenic.